The following is an entry in ClinVar:

ClinVar aggregate classification (germline): Pathogenic. Review status: criteria provided, multiple submitters, no conflicts (2 of 4 stars). 2 submissions from 2 submitters: Pathogenic (2). Last evaluated 2025-09-18.

Conditions:
Hereditary cancer-predisposing syndrome. Also called: Hereditary Cancer Syndrome; Neoplastic Syndromes, Hereditary; Tumor predisposition; Hereditary neoplastic syndrome. Identifiers: Orphanet 140162, MedGen C0027672, MeSH D009386, MONDO:0015356.
Fanconi anemia complementation group J. Also called: BRIP1-Related Fanconi Anemia. Identifiers: Orphanet 84, MedGen C1836860, MONDO:0012187, OMIM 609054.
Familial cancer of breast. Also called: Hereditary breast cancer; hereditary breast carcinoma; BREAST CANCER, FAMILIAL. Identifiers: Orphanet 227535, MedGen C0346153, MONDO:0016419, OMIM 114480. Disease mechanism: loss of function.

Submissions (2):

Ambry Genetics
Classification: Pathogenic for Hereditary cancer-predisposing syndrome. Last evaluated: 2025-09-18. Review status: criteria provided, single submitter. Criteria: Ambry Variant Classification Scheme 2023. Collection method: clinical testing. Allele origin: germline.
Comment: The c.386delC pathogenic mutation, located in coding exon 4 of the BRIP1 gene, results from a deletion of one nucleotide at nucleotide position 386, causing a translational frameshift with a predicted alternate stop codon (p.P129Lfs*28). This alteration is expected to result in loss of function by premature protein truncation or nonsense-mediated mRNA decay. As such, this alteration is interpreted as a disease-causing mutation.

Labcorp Genetics (formerly Invitae), Labcorp
Classification: Pathogenic for Familial cancer of breast; Fanconi anemia complementation group J. Last evaluated: 2025-05-07. Review status: criteria provided, single submitter. Criteria: Invitae Variant Classification Sherloc (09022015). Collection method: clinical testing. Allele origin: germline.
Comment: This sequence change creates a premature translational stop signal (p.Pro129Leufs*28) in the BRIP1 gene. It is expected to result in an absent or disrupted protein product. Loss-of-function variants in BRIP1 are known to be pathogenic (PMID: 16116423, 17033622, 21964575). This variant is not present in population databases (gnomAD no frequency). This variant has not been reported in the literature in individuals affected with BRIP1-related conditions. ClinVar contains an entry for this variant (Variation ID: 232930). For these reasons, this variant has been classified as Pathogenic.

Literature cited by the submitters: PubMed 16116423 (cited by Labcorp Genetics (formerly Invitae), Labcorp); PubMed 17033622 (cited by Labcorp Genetics (formerly Invitae), Labcorp); PubMed 21964575 (cited by Labcorp Genetics (formerly Invitae), Labcorp).

NM_032043.3(BRIP1):c.386del (p.Pro129fs)

Gene: BRIP1 (BRCA1 interacting DNA helicase 1; minus strand). Cytogenetic location: 17q23.2.
Variant type: Deletion.
Coding change: c.386del on transcript NM_032043.3 (MANE Select); coding-DNA position 386, one base deleted (C; older notation c.386delC).
Protein change: p.Pro129fs; shifts the reading frame from proline 129.
Molecular consequence: frameshift variant.
Genome position (GRCh38, 1-based): chr17:61,849,250, G deleted on the plus strand (C on the coding strand, the reverse complement: BRIP1 is on the minus strand); the first of 4 consecutive G bases (chr17:61,849,250-61,849,253); deleting any one gives the same sequence. VCF-style (leftmost placement, unchanged base first): chr17-61849249-AG-A. GRCh37 (hg19) VCF-style: chr17-59926610-AG-A.
Other names: c.386delC (NM_032043.2); short protein forms P129fs.
Identifiers: ClinVar variation 232930 (VCV000232930.7), dbSNP rs876660080, ClinGen allele CA10580881.